The following is an entry in ClinVar:

NM_003998.4(NFKB1):c.1840C>T (p.Arg614Cys)

Gene: NFKB1 (nuclear factor kappa B subunit 1; plus strand). Cytogenetic location: 4q24.
Variant type: single nucleotide variant.
Coding change: c.1840C>T on transcript NM_003998.4 (MANE Select); coding-DNA position 1840, C replaced by T.
Protein change: p.Arg614Cys; replaces arginine 614 with cysteine.
Molecular consequence: missense variant.
Genome position (GRCh38, 1-based): chr4:102,606,583, C>T. VCF-style: chr4-102606583-C-T. GRCh37 (hg19) VCF-style: chr4-103527740-C-T.
Other names: c.1837C>T, p.Arg613Cys (NM_001165412.2, NM_001319226.2, NM_001382627.1); c.1840C>T, p.Arg614Cys (NM_001382625.1, NM_001382626.1); c.1798C>T, p.Arg600Cys (NM_001382628.1); c.1840C>T (NM_003998.3); short protein forms R613C, R600C, R614C.
Identifiers: ClinVar variation 1989958 (VCV001989958.5), dbSNP rs374903458, ClinGen allele CA3026261.

ClinVar aggregate classification (germline): Uncertain significance. Review status: criteria provided, multiple submitters, no conflicts (2 of 4 stars). 2 submissions from 2 submitters: Uncertain significance (2). Last evaluated 2025-10-14.

Conditions:
Inborn genetic diseases. Identifiers: MedGen C0950123, MeSH D030342.

Allele frequency attached by ClinVar (database versions not stated): TOPMed 0.00003; gnomAD 0.00004; ESP Exome Variant Server 0.00008; ExAC 0.00002.
gnomAD v4.1: 14 of 1,613,954 alleles (0.00087%); highest among the groups gnomAD compares: Admixed American, 0.015%; no homozygotes.

Submissions (2):

Ambry Genetics
Classification: Uncertain significance for Inborn genetic diseases. Last evaluated: 2025-10-14. Review status: criteria provided, single submitter. Criteria: Ambry Variant Classification Scheme 2023. Collection method: clinical testing. Allele origin: germline.

Labcorp Genetics (formerly Invitae), Labcorp
Classification: Uncertain significance. Last evaluated: 2025-08-01. Review status: criteria provided, single submitter. Criteria: Invitae Variant Classification Sherloc (09022015). Collection method: clinical testing. Allele origin: germline.
Comment: This sequence change replaces arginine, which is basic and polar, with cysteine, which is neutral and slightly polar, at codon 614 of the NFKB1 protein (p.Arg614Cys). This variant is present in population databases (rs374903458, gnomAD 0.01%). This variant has not been reported in the literature in individuals affected with NFKB1-related conditions. ClinVar contains an entry for this variant (Variation ID: 1989958). Invitae Evidence Modeling of protein sequence and biophysical properties (such as structural, functional, and spatial information, amino acid conservation, physicochemical variation, residue mobility, and thermodynamic stability) indicates that this missense variant is not expected to disrupt NFKB1 protein function with a negative predictive value of 80%. In summary, the available evidence is currently insufficient to determine the role of this variant in disease. Therefore, it has been classified as a Variant of Uncertain Significance.